The following is an entry in ClinVar:

NM_174936.4(PCSK9):c.1958C>T (p.Thr653Met)

Gene: PCSK9 (proprotein convertase subtilisin/kexin type 9; plus strand). Cytogenetic location: 1p32.3.
Variant type: single nucleotide variant.
Coding change: c.1958C>T on transcript NM_174936.4 (MANE Select); coding-DNA position 1958, C replaced by T.
Protein change: p.Thr653Met; replaces threonine 653 with methionine.
Molecular consequence: missense variant.
Genome position (GRCh38, 1-based): chr1:55,063,463, C>T. VCF-style: chr1-55063463-C-T. GRCh37 (hg19) VCF-style: chr1-55529136-C-T.
Other names: c.2081C>T, p.Thr694Met (NM_001407240.1); c.2000C>T, p.Thr667Met (NM_001407241.1); c.1961C>T, p.Thr654Met (NM_001407242.1); c.1901C>T, p.Thr634Met (NM_001407243.1); c.1784C>T, p.Thr595Met (NM_001407244.1); c.1766C>T, p.Thr589Met (NM_001407245.1); c.1583C>T, p.Thr528Met (NM_001407246.1); c.1457C>T, p.Thr486Met (NM_001407247.1); short protein forms T653M, T486M, T528M, T589M, T595M, T667M, T694M, T634M.
Identifiers: ClinVar variation 431559 (VCV000431559.22), dbSNP rs759099468, ClinGen allele CA22768334.
Genomic context (GRCh38, chr1:55,063,463, plus strand): 5'-CTGGCTGCAGTGCCCTCCCTGGGACCTCCCACGTCCTGGGGGCCTACGCCGTAGACAACA[C>T]GTGTGTAGTCAGGAGCCGGGACGTCAGCACTACAGGCAGCACCAGCGAAGGGGCCGTGAC-3'
Protein context (NP_777596.2, residues 643-663): HVLGAYAVDN[Thr653Met]CVVRSRDVST

ClinVar aggregate classification (germline): Uncertain significance. Review status: criteria provided, multiple submitters, no conflicts (2 of 4 stars). 7 submissions from 7 submitters: Uncertain significance (7). Last evaluated 2026-01-19.

Conditions:
Cardiovascular phenotype. Identifiers: MedGen CN230736.
Familial hypercholesterolemia. Also called: Familial hypercholesterolaemia; Familial hypercholesterolemias. Identifiers: MedGen C0020445, MONDO:0005439.
Hypercholesterolemia, familial, 1. Also called: LDL RECEPTOR DISORDER; Hyperlipoproteinemia Type IIa; HYPER-LOW-DENSITY-LIPOPROTEINEMIA; HYPERCHOLESTEROLEMIC XANTHOMATOSIS, FAMILIAL; Fredrickson type IIa hyperlipoproteinemia; Hyperlipoproteinemia type 2. Identifiers: Orphanet 391665, MedGen C0745103, MONDO:0007750, OMIM 143890.
Hypercholesterolemia, autosomal dominant, 3 (FHCL3). Also called: Familial hypercholesterolemia 3; Familial Hypercholesterolemia, Autosomal Dominant, 3; PCSK9-Related Familial Hypercholesterolemia, Autosomal Dominant. Identifiers: MedGen C1863551, MONDO:0011369, OMIM 603776.

gnomAD v4.1: 10 of 1,614,022 alleles (0.00062%); highest among the groups gnomAD compares: South Asian, 0.0022%; no homozygotes.

Submissions (7):

Labcorp Genetics (formerly Invitae), Labcorp
Classification: Uncertain significance for Hypercholesterolemia, autosomal dominant, 3. Last evaluated: 2026-01-19. Review status: criteria provided, single submitter. Criteria: Invitae Variant Classification Sherloc (09022015). Collection method: clinical testing. Allele origin: germline.
Comment: This sequence change replaces threonine, which is neutral and polar, with methionine, which is neutral and non-polar, at codon 653 of the PCSK9 protein (p.Thr653Met). This variant is present in population databases (no rsID available, gnomAD 0.006%). This variant has not been reported in the literature in individuals affected with PCSK9-related conditions. ClinVar contains an entry for this variant (Variation ID: 431559). Invitae Evidence Modeling of protein sequence and biophysical properties (such as structural, functional, and spatial information, amino acid conservation, physicochemical variation, residue mobility, and thermodynamic stability) indicates that this missense variant is not expected to disrupt PCSK9 protein function with a negative predictive value of 95%. In summary, the available evidence is currently insufficient to determine the role of this variant in disease. Therefore, it has been classified as a Variant of Uncertain Significance.

Quest Diagnostics Nichols Institute San Juan Capistrano
Classification: Uncertain significance. Last evaluated: 2025-07-21. Review status: criteria provided, single submitter. Criteria: Quest Diagnostics criteria. Collection method: clinical testing. Allele origin: unknown.
Comment: The PCSK9 c.1958C>T (p.Thr653Met) variant has not been reported in individuals with PCSK9-related conditions in the published literature. The frequency of this variant in the general population (Genome Aggregation Database) is uninformative in the assessment of its pathogenicity. Analysis of this variant using bioinformatics tools for the prediction of the effect of amino acid changes on protein structure and function yielded predictions that this variant is benign. Based on the available information, we are unable to determine the clinical significance of this variant.

Ambry Genetics
Classification: Uncertain significance for Cardiovascular phenotype. Last evaluated: 2024-11-27. Review status: criteria provided, single submitter. Criteria: Ambry Variant Classification Scheme 2023. Collection method: clinical testing. Allele origin: germline.
Comment: The p.T653M variant (also known as c.1958C>T), located in coding exon 12 of the PCSK9 gene, results from a C to T substitution at nucleotide position 1958. The threonine at codon 653 is replaced by methionine, an amino acid with similar properties. This amino acid position is conserved. In addition, this alteration is predicted to be tolerated by in silico analysis. Since supporting evidence is limited at this time, the clinical significance of this alteration remains unclear.

All of Us Research Program, National Institutes of Health
Classification: Uncertain significance for Hypercholesterolemia, autosomal dominant, 3. Last evaluated: 2024-08-06. Review status: criteria provided, single submitter. Criteria: ACMG Guidelines, 2015. Collection method: clinical testing. Allele origin: germline. Inheritance: Autosomal dominant inheritance. Observed: 6 variant alleles, 6 heterozygotes.
Comment: Variant of Uncertain Significance due to insufficient evidence: This missense variant is located in the C-terminal CM3 domain of the PCSK9 protein. Computational prediction tools and conservation analyses suggest that this variant may not impact the protein function. Computational splicing tools suggest that this variant may not impact RNA splicing. To our knowledge, functional assays have not been performed for this variant nor has this variant been reported in individuals affected with familial hypercholesterolemia in the literature. This variant has been identified in 1/245854 chromosomes in the general population by the Genome Aggregation Database (gnomAD). Available evidence is insufficient to determine the role of this variant in disease conclusively.

This study involves interpretation of variants in research participants for the purpose of population health screening. Participant phenotype was not available at the time of variant classification. Additional details can be found in publication PMID: 35346344, PMCID: PMC8962531

Color Diagnostics, LLC DBA Color Health
Classification: Uncertain significance for Familial hypercholesterolemia. Last evaluated: 2024-03-06. Review status: criteria provided, single submitter. Criteria: ACMG Guidelines, 2015. Collection method: clinical testing. Allele origin: germline.
Comment: This missense variant replaces threonine with methionine at codon 653 of the PCSK9 protein. Computational prediction suggests that this variant may not impact protein structure and function (internally defined REVEL score threshold <= 0.5, PMID: 27666373). To our knowledge, functional studies have not been reported for this variant. This variant has not been reported in individuals affected with PCSK9-related disorders in the literature. This variant has been identified in 1/250900 chromosomes in the general population by the Genome Aggregation Database (gnomAD). The available evidence is insufficient to determine the role of this variant in disease conclusively. Therefore, this variant is classified as a Variant of Uncertain Significance.

Mendelics
Classification: Uncertain significance. Last evaluated: 2022-05-04. Review status: criteria provided, single submitter. Criteria: Mendelics Assertion Criteria 2019. Collection method: clinical testing. Allele origin: germline.

Laboratory of Genetics and Molecular Cardiology, University of São Paulo
Classification: Uncertain significance for Familial hypercholesterolemia. Last evaluated: 2016-03-01. Review status: criteria provided, single submitter. Criteria: ACMG Guidelines, 2015. Collection method: research. Allele origin: germline. Study: HipercolBrasil.